The following is an entry in ClinVar:

NM_014727.3(KMT2B):c.5127C>T (p.Asp1709=)

Gene: KMT2B (lysine methyltransferase 2B; plus strand). Cytogenetic location: 19q13.12.
Variant type: single nucleotide variant.
Coding change: c.5127C>T on transcript NM_014727.3 (MANE Select); coding-DNA position 5127, C replaced by T.
Protein change: p.Asp1709=; no amino-acid change (aspartic acid 1709 retained).
Molecular consequence: synonymous variant.
Genome position (GRCh38, 1-based): chr19:35,730,392, C>T. VCF-style: chr19-35730392-C-T. GRCh37 (hg19) VCF-style: chr19-36221293-C-T.
Identifiers: ClinVar variation 4821161 (VCV004821161.4).

ClinVar aggregate classification (germline): Likely benign (1 of 4 stars; one submission).

Submission:

CeGaT Center for Human Genetics Tuebingen
Classification: Likely benign. Last evaluated: 2026-02-01. Review status: criteria provided, single submitter. Criteria: CeGaT Center For Human Genetics Tuebingen Variant Classification Criteria Version 2. Collection method: clinical testing. Allele origin: germline. Affected: yes. Observed: 1 variant allele.
Comment: KMT2B: BP4, BP7